The following is an entry in ClinVar:

NM_080680.3(COL11A2):c.3475G>T (p.Gly1159Cys)

Gene: COL11A2 (collagen type XI alpha 2 chain; minus strand). Cytogenetic location: 6p21.32.
Variant type: single nucleotide variant.
Coding change: c.3475G>T on transcript NM_080680.3 (MANE Select); coding-DNA position 3475, G replaced by T.
Protein change: p.Gly1159Cys; replaces glycine 1159 with cysteine.
Molecular consequence: missense variant.
Genome position (GRCh38, 1-based): chr6:33,170,610, C>A on the plus strand (G>T on the coding strand, the complement: COL11A2 is on the minus strand). VCF-style: chr6-33170610-C-A. GRCh37 (hg19) VCF-style: chr6-33138387-C-A.
Other names: c.2449G>T, p.Gly817Cys (NM_001424110.1, NM_001424111.1); c.1429G>T, p.Gly477Cys (NM_001424112.1); c.3154G>T, p.Gly1052Cys (NM_080679.3); c.3217G>T, p.Gly1073Cys (NM_080681.3); c.3295G>T, p.Gly1099Cys (NM_001424108.1); c.2629G>T, p.Gly877Cys (NM_001424109.1); short protein forms G1052C, G1073C, G1099C, G1159C, G477C, G817C, G877C.
Identifiers: ClinVar variation 4869078 (VCV004869078.1).

ClinVar aggregate classification (germline): Uncertain significance (1 of 4 stars; one submission).

Conditions:
Inborn genetic diseases. Identifiers: MedGen C0950123, MeSH D030342.

Submission:

Ambry Genetics
Classification: Uncertain significance for Inborn genetic diseases. Last evaluated: 2026-05-29. Review status: criteria provided, single submitter. Criteria: Ambry Variant Classification Scheme 2023. Collection method: clinical testing. Allele origin: germline.
Comment: The c.3475G>T (p.G1159C) alteration is located in exon 47 (coding exon 47) of the COL11A2 gene. This alteration results from a G to T substitution at nucleotide position 3475, causing the glycine (G) at amino acid position 1159 to be replaced by a cysteine (C). This variant was not reported in population-based cohorts in the Genome Aggregation Database (gnomAD). This nucleotide position and amino acid position are both highly conserved in available vertebrate species. This alteration is predicted to be deleterious by in silico analysis. In silico splice site analysis for this alteration is inconclusive. Based on insufficient or conflicting evidence, the clinical significance of this alteration remains unclear.